The following is an entry in ClinVar:

NM_177438.3(DICER1):c.4282A>T (p.Met1428Leu)

Gene: DICER1 (dicer 1, ribonuclease III; minus strand). Cytogenetic location: 14q32.13.
Variant type: single nucleotide variant.
Coding change: c.4282A>T on transcript NM_177438.3 (MANE Select); coding-DNA position 4282, A replaced by T.
Protein change: p.Met1428Leu; replaces methionine 1428 with leucine.
Molecular consequence: missense variant. On other transcripts: non-coding transcript variant (6).
Genome position (GRCh38, 1-based): chr14:95,096,638, T>A on the plus strand (A>T on the coding strand, the complement: DICER1 is on the minus strand). VCF-style: chr14-95096638-T-A. GRCh37 (hg19) VCF-style: chr14-95562975-T-A.
Other names: c.4282A>T, p.Met1428Leu (NM_001195573.1, NM_001271282.3, NM_001291628.2 and 13 more transcripts); c.4000A>T, p.Met1334Leu (NM_001395686.1); c.3877A>T, p.Met1293Leu (NM_001395687.1, NM_001395688.1, NM_001395689.1 and 2 more transcripts); c.3715A>T, p.Met1239Leu (NM_001395691.1); c.2599A>T, p.Met867Leu (NM_001395697.1); short protein forms M1293L, M1428L, M1239L, M1334L, M867L.
Identifiers: ClinVar variation 2566150 (VCV002566150.2), dbSNP rs2542512134, ClinGen allele CA390869549.
Genomic context (GRCh38, chr14:95,096,638, plus strand): 5'-CCTGATCATACTCCAGGAAATCATCTTCATAGTCAGCCTCTTCCTTCGGAGCCCTCCACA[T>A]CAGGCTCTCCTCCTCCTCATCCTCCTCCTCGTAATCCTCATCCAGTTTGCCATTCGCCAG-3'
Protein context (NP_803187.1, residues 1418-1438): EEEDEEEESL[Met1428Leu]WRAPKEEADY

ClinVar aggregate classification (germline): Uncertain significance (1 of 4 stars; one submission).

Conditions:
Hereditary cancer-predisposing syndrome. Also called: Neoplastic Syndromes, Hereditary; Hereditary Cancer Syndrome; Hereditary neoplastic syndrome; Tumor predisposition. Identifiers: Orphanet 140162, MedGen C0027672, MeSH D009386, MONDO:0015356.

Submission:

Ambry Genetics
Classification: Uncertain significance for Hereditary cancer-predisposing syndrome. Last evaluated: 2023-03-17. Review status: criteria provided, single submitter. Criteria: Ambry Variant Classification Scheme 2023. Collection method: clinical testing. Allele origin: germline.
Comment: The p.M1428L variant (also known as c.4282A>T), located in coding exon 22 of the DICER1 gene, results from an A to T substitution at nucleotide position 4282. The methionine at codon 1428 is replaced by leucine, an amino acid with highly similar properties. This amino acid position is conserved. In addition, this alteration is predicted to be tolerated by in silico analysis. Since supporting evidence is limited at this time, the clinical significance of this alteration remains unclear.